The following is an entry in ClinVar:

NM_001252024.2(TRPM1):c.2803G>A (p.Gly935Arg)

Genes: TRPM1 (transient receptor potential cation channel subfamily M member 1; minus strand), TRPM1-AS1 (TRPM1 antisense RNA 1; plus strand). Cytogenetic location: 15q13.3.
Variant type: single nucleotide variant.
Coding change: c.2803G>A on transcript NM_001252024.2 (MANE Select); coding-DNA position 2803, G replaced by A.
Protein change: p.Gly935Arg; replaces glycine 935 with arginine.
Molecular consequence: missense variant.
Genome position (GRCh38, 1-based): chr15:31,032,838, C>T on the plus strand (G>A on the coding strand, the complement: TRPM1 is on the minus strand). VCF-style: chr15-31032838-C-T. GRCh37 (hg19) VCF-style: chr15-31325041-C-T.
Other names: c.2854G>A, p.Gly952Arg (NM_001252020.2); c.2737G>A, p.Gly913Arg (NM_002420.6); short protein forms G913R, G935R, G952R.
Identifiers: ClinVar variation 2057445 (VCV002057445.4), dbSNP rs2504068471, ClinGen allele CA391546190.

ClinVar aggregate classification (germline): Uncertain significance (1 of 4 stars; one submission).

Submission:

Labcorp Genetics (formerly Invitae), Labcorp
Classification: Uncertain significance. Last evaluated: 2024-01-29. Review status: criteria provided, single submitter. Criteria: Invitae Variant Classification Sherloc (09022015). Collection method: clinical testing. Allele origin: germline.
Comment: This sequence change replaces glycine, which is neutral and non-polar, with arginine, which is basic and polar, at codon 913 of the TRPM1 protein (p.Gly913Arg). This variant is not present in population databases (gnomAD no frequency). This variant has not been reported in the literature in individuals affected with TRPM1-related conditions. ClinVar contains an entry for this variant (Variation ID: 2057445). Advanced modeling of protein sequence and biophysical properties (such as structural, functional, and spatial information, amino acid conservation, physicochemical variation, residue mobility, and thermodynamic stability) has been performed at Invitae for this missense variant, however the output from this modeling did not meet the statistical confidence thresholds required to predict the impact of this variant on TRPM1 protein function. In summary, the available evidence is currently insufficient to determine the role of this variant in disease. Therefore, it has been classified as a Variant of Uncertain Significance.